The following is an entry in ClinVar:

NM_177531.6(PKHD1L1):c.11540T>C (p.Val3847Ala)

Gene: PKHD1L1 (PKHD1 like 1; plus strand). Cytogenetic location: 8q23.2.
Variant type: single nucleotide variant.
Coding change: c.11540T>C on transcript NM_177531.6 (MANE Select); coding-DNA position 11540, T replaced by C.
Protein change: p.Val3847Ala; replaces valine 3847 with alanine.
Molecular consequence: missense variant.
Genome position (GRCh38, 1-based): chr8:109,510,921, T>C. VCF-style: chr8-109510921-T-C. GRCh37 (hg19) VCF-style: chr8-110523150-T-C.
Other names: short protein forms V3847A.
Identifiers: ClinVar variation 4981844 (VCV004981844.1).
Genomic context (GRCh38, chr8:109,510,921, plus strand): 5'-CTTATGAAGTTTACTTCACTGGCACCAGTCCTCAGAATCTTCGACTGATGTTGCTTAATG[T>C]TGATCATAACAAGGTAGGGCAAGATGTCTTAAGAGTAATTGCTGTTGATTATTTGCATGT-3'
Protein context (NP_803875.2, residues 3837-3857): PQNLRLMLLN[Val3847Ala]DHNKAVLVGI

ClinVar aggregate classification (germline): Likely benign (1 of 4 stars; one submission).

Conditions:
PKHD1L1-related disorder. Also called: PKHD1L1-related condition.

gnomAD v4.1: 137 of 1,612,730 alleles (0.0085%); highest among the groups gnomAD compares: Admixed American, 0.23%; no homozygotes.

Submission:

PreventionGenetics, part of Exact Sciences
Classification: Likely benign for PKHD1L1-related condition. Last evaluated: 2024-12-20. Review status: criteria provided, single submitter. Criteria: ACMG Guidelines, 2015. Collection method: clinical testing. Allele origin: germline.
Comment: This variant is classified as likely benign based on ACMG/AMP sequence variant interpretation guidelines (Richards et al. 2015 PMID: 25741868, with internal and published modifications).